The following is an entry in ClinVar:

ClinVar aggregate classification (germline): Uncertain significance (1 of 4 stars; one submission).

Allele frequency attached by ClinVar (database versions not stated): gnomAD exomes below 0.00001; gnomAD 0.00001; TOPMed 0.00001.

Submission:

Labcorp Genetics (formerly Invitae), Labcorp
Classification: Uncertain significance. Last evaluated: 2023-10-10. Review status: criteria provided, single submitter. Criteria: Invitae Variant Classification Sherloc (09022015). Collection method: clinical testing. Allele origin: germline.
Comment: This sequence change creates a premature translational stop signal (p.Gln112*) in the ALPK3 gene. It is unclear whether it will result in an absent or disrupted protein product because an in-frame methionine located at codon 203 has the potential to rescue this truncating variant. The frequency data for this variant in the population databases is considered unreliable, as metrics indicate poor data quality at this position in the gnomAD database. This variant has not been reported in the literature in individuals affected with ALPK3-related conditions. In summary, the available evidence is currently insufficient to determine the role of this variant in disease. Therefore, it has been classified as a Variant of Uncertain Significance.

NC_000015.10:g.84817180C>T

Gene: ALPK3 (alpha kinase 3; plus strand). Cytogenetic location: 15q25.3.
Variant type: single nucleotide variant.
Genome position: GRCh38 VCF-style: chr15-84817180-C-T. GRCh37 (hg19) VCF-style: chr15-85360411-C-T.
Identifiers: ClinVar variation 2758050 (VCV002758050.3), dbSNP rs1322445511, ClinGen allele CA393368698.
Genomic context (GRCh38, chr15:84,817,180, plus strand): 5'-CGCTGCGCCTTCCTCCCGAGGCCTCCCGGGCCTCTCCAGACGCGGCGCTACTGCAGACAC[C>T]AGGGCCGCCAAGGGAGCGGACTCGGAGCCGGCCCTGGGGCGGGCACATGGGCCCCGGCGC-3'